The following is an entry in ClinVar:

NM_001649.4(SHROOM2):c.1590C>T (p.Arg530=)

Gene: SHROOM2 (shroom family member 2; plus strand). Cytogenetic location: Xp22.2.
Variant type: single nucleotide variant.
Coding change: c.1590C>T on transcript NM_001649.4 (MANE Select); coding-DNA position 1590, C replaced by T.
Protein change: p.Arg530=; no amino-acid change (arginine 530 retained).
Molecular consequence: synonymous variant.
Genome position (GRCh38, 1-based): chrX:9,895,498, C>T. VCF-style: chrX-9895498-C-T. GRCh37 (hg19) VCF-style: chrX-9863538-C-T.
Identifiers: ClinVar variation 3358546 (VCV003358546.1).

ClinVar aggregate classification (germline): Likely benign (0 of 4 stars; one submission).

Conditions:
SHROOM2-related disorder. Also called: SHROOM2-related condition.

gnomAD v4.1: 181 of 1,203,677 alleles (0.015%); highest among the groups gnomAD compares: Non-Finnish European, 0.019%; no homozygotes.

Submission:

PreventionGenetics, part of Exact Sciences
Classification: Likely benign for SHROOM2-related condition. Last evaluated: 2024-09-11. Review status: no assertion criteria provided. Collection method: clinical testing. Allele origin: germline.
Comment: This variant is classified as likely benign based on ACMG/AMP sequence variant interpretation guidelines (Richards et al. 2015 PMID: 25741868, with internal and published modifications).